The following is an entry in ClinVar:

ClinVar aggregate classification (germline): Uncertain significance. Review status: criteria provided, multiple submitters, no conflicts (2 of 4 stars). 2 submissions from 2 submitters: Uncertain significance (2). Last evaluated 2021-11-09.

Conditions:
Chédiak-Higashi syndrome (CHS). Also called: Chediak-Higashi Syndrome. Identifiers: Orphanet 167, MedGen C0007965, MONDO:0008963, OMIM 214500.

Allele frequency attached by ClinVar (database versions not stated): gnomAD exomes below 0.00001.
gnomAD v4.1: 1 of 1,613,938 alleles (0.000062%); highest among the groups gnomAD compares: South Asian, 0.0011%; no homozygotes.

Submissions (2):

Labcorp Genetics (formerly Invitae), Labcorp
Classification: Uncertain significance for Chédiak-Higashi syndrome. Last evaluated: 2021-11-09. Review status: criteria provided, single submitter. Criteria: Invitae Variant Classification Sherloc (09022015). Collection method: clinical testing. Allele origin: germline.
Comment: In summary, the available evidence is currently insufficient to determine the role of this variant in disease. Therefore, it has been classified as a Variant of Uncertain Significance. Algorithms developed to predict the effect of missense changes on protein structure and function are either unavailable or do not agree on the potential impact of this missense change (SIFT: "Deleterious"; PolyPhen-2: "Possibly Damaging"; Align-GVGD: "Class C0"). This variant has not been reported in the literature in individuals affected with LYST-related conditions. This variant is not present in population databases (gnomAD no frequency). This sequence change replaces glutamine, which is neutral and polar, with arginine, which is basic and polar, at codon 710 of the LYST protein (p.Gln710Arg).

Blueprint Genetics
Classification: Uncertain significance. Last evaluated: 2020-07-13. Review status: criteria provided, single submitter. Criteria: ACMG Guidelines, 2015. Collection method: clinical testing. Allele origin: germline.

NM_000081.4(LYST):c.2129A>G (p.Gln710Arg)

Gene: LYST (lysosomal trafficking regulator; minus strand). Cytogenetic location: 1q42.3.
Variant type: single nucleotide variant.
Coding change: c.2129A>G on transcript NM_000081.4 (MANE Select); coding-DNA position 2129, A replaced by G.
Protein change: p.Gln710Arg; replaces glutamine 710 with arginine.
Molecular consequence: missense variant.
Genome position (GRCh38, 1-based): chr1:235,808,689, T>C on the plus strand (A>G on the coding strand, the complement: LYST is on the minus strand). VCF-style: chr1-235808689-T-C. GRCh37 (hg19) VCF-style: chr1-235971989-T-C.
Other names: c.2129A>G, p.Gln710Arg (NM_001301365.1); short protein forms Q710R.
Identifiers: ClinVar variation 1391871 (VCV001391871.6), dbSNP rs2527105225, ClinGen allele CA344959058.